The following is an entry in ClinVar:

NM_000293.3(PHKB):c.2343G>A (p.Ala781=)

Gene: PHKB (phosphorylase kinase regulatory subunit beta; plus strand). Cytogenetic location: 16q12.1.
Variant type: single nucleotide variant.
Coding change: c.2343G>A on transcript NM_000293.3 (MANE Select); coding-DNA position 2343, G replaced by A.
Protein change: p.Ala781=; no amino-acid change (alanine 781 retained).
Molecular consequence: synonymous variant. On other transcripts: intron variant (2).
Genome position (GRCh38, 1-based): chr16:47,664,891, G>A. VCF-style: chr16-47664891-G-A. GRCh37 (hg19) VCF-style: chr16-47698802-G-A.
Other names: c.2337-1051G>A (NM_001363837.1); c.2316-1051G>A (NM_001031835.3).
Identifiers: ClinVar variation 515506 (VCV000515506.4), dbSNP rs764952326, ClinGen allele CA8041169.
Genomic context (GRCh38, chr16:47,664,891, plus strand): 5'-GGAAGTTTTATTTACTCTATTTTCCCTTTTATGGCTTTCCACTGACACACCCAGGTTGGC[G>A]GTGCGCTACGGGGCTGCATTTACCCAGAAATTTTCTTCCTCTATAGCCCCACACATTACT-3'
Protein context (NP_000284.1, residues 771-791): RRAGSQKLWL[Ala781=]VRYGAAFTQK

ClinVar aggregate classification (germline): Likely benign. Review status: criteria provided, multiple submitters, no conflicts (2 of 4 stars). 2 submissions from 2 submitters: Likely benign (2). Last evaluated 2026-02-01.

Conditions:
Glycogen storage disease IXb (GSD9B). Also called: PHOSPHORYLASE KINASE DEFICIENCY OF LIVER AND MUSCLE, AUTOSOMAL RECESSIVE; GLYCOGENOSIS OF LIVER AND MUSCLE, AUTOSOMAL RECESSIVE; GSD IXb. Identifiers: Orphanet 79240, MedGen C0543514, MONDO:0009868, OMIM 261750.

Allele frequency attached by ClinVar (database versions not stated): gnomAD 0.00003; TOPMed 0.00006.
gnomAD v4.1: 99 of 1,611,868 alleles (0.0061%); highest among the groups gnomAD compares: Non-Finnish European, 0.0081%; no homozygotes.

Submissions (2):

Labcorp Genetics (formerly Invitae), Labcorp
Classification: Likely benign for Glycogen storage disease IXb. Last evaluated: 2026-02-01. Review status: criteria provided, single submitter. Criteria: Invitae Variant Classification Sherloc (09022015). Collection method: clinical testing. Allele origin: germline.

GeneDx
Classification: Likely benign. Last evaluated: 2018-02-27. Review status: criteria provided, single submitter. Criteria: GeneDx Variant Classification (06012015). Collection method: clinical testing. Allele origin: germline. Affected: yes.
Comment: This variant is considered likely benign or benign based on one or more of the following criteria: it is a conservative change, it occurs at a poorly conserved position in the protein, it is predicted to be benign by multiple in silico algorithms, and/or has population frequency not consistent with disease.